The following is an entry in ClinVar:

ClinVar aggregate classification (germline): Uncertain significance (1 of 4 stars; one submission).

Submission:

GeneDx
Classification: Uncertain significance. Last evaluated: 2020-02-04. Review status: criteria provided, single submitter. Criteria: GeneDx Variant Classification Process June 2021. Collection method: clinical testing. Allele origin: germline. Affected: yes.
Comment: Has not been previously published as pathogenic or benign to our knowledge; Not observed in large population cohorts (Lek et al., 2016); In silico analysis supports that this missense variant has a deleterious effect on protein structure/function

NM_002471.4(MYH6):c.5714T>C (p.Leu1905Pro)

Gene: MYH6 (myosin heavy chain 6; minus strand). Cytogenetic location: 14q11.2.
Variant type: single nucleotide variant.
Coding change: c.5714T>C on transcript NM_002471.4 (MANE Select); coding-DNA position 5714, T replaced by C.
Protein change: p.Leu1905Pro; replaces leucine 1905 with proline.
Molecular consequence: missense variant.
Genome position (GRCh38, 1-based): chr14:23,382,510, A>G on the plus strand (T>C on the coding strand, the complement: MYH6 is on the minus strand). VCF-style: chr14-23382510-A-G. GRCh37 (hg19) VCF-style: chr14-23851719-A-G.
Other names: short protein forms L1905P.
Identifiers: ClinVar variation 1315174 (VCV001315174.2), dbSNP rs2138578297, ClinGen allele CA388981665.